The following is an entry in ClinVar:

ClinVar aggregate classification (germline): Uncertain significance. Review status: criteria provided, multiple submitters, no conflicts (2 of 4 stars). 2 submissions from 2 submitters: Uncertain significance (2). Last evaluated 2024-01-17.

Conditions:
Creatine transporter deficiency (CCDS1). Also called: Mental retardation , X-linked with seizures, short stature and midface hypoplasia; Mental retardation , X-linked, with creatine transport deficiency; X-linked creatine transporter deficiency; X-linked creatine deficiency syndrome; SLC6A8-Related Creatine Transporter Deficiency; CREATINE TRANSPORTER DEFECT. Identifiers: Orphanet 52503, MedGen C1845862, MONDO:0010305, OMIM 300352.

gnomAD v4.1: 1 of 1,211,244 alleles (0.000083%); highest among the groups gnomAD compares: African/African-American, 0.0017%; no homozygotes.

Submissions (2):

Labcorp Genetics (formerly Invitae), Labcorp
Classification: Uncertain significance for Creatine transporter deficiency. Last evaluated: 2024-01-17. Review status: criteria provided, single submitter. Criteria: Invitae Variant Classification Sherloc (09022015). Collection method: clinical testing. Allele origin: germline.
Comment: This sequence change falls in intron 5 of the SLC6A8 gene. It does not directly change the encoded amino acid sequence of the SLC6A8 protein. It affects a nucleotide within the consensus splice site. This variant is not present in population databases (gnomAD no frequency). This variant has not been reported in the literature in individuals affected with SLC6A8-related conditions. ClinVar contains an entry for this variant (Variation ID: 2501171). Variants that disrupt the consensus splice site are a relatively common cause of aberrant splicing (PMID: 17576681, 9536098). Algorithms developed to predict the effect of sequence changes on RNA splicing suggest that this variant is not likely to affect RNA splicing. In summary, the available evidence is currently insufficient to determine the role of this variant in disease. Therefore, it has been classified as a Variant of Uncertain Significance.

Women's Health and Genetics/Laboratory Corporation of America, LabCorp
Classification: Uncertain significance. Last evaluated: 2023-03-21. Review status: criteria provided, single submitter. Criteria: LabCorp Variant Classification Summary - May 2015. Collection method: clinical testing. Allele origin: germline.
Comment: Variant summary: SLC6A8 c.912+6G>C alters a non-conserved nucleotide located close to a canonical splice site and therefore could affect mRNA splicing, leading to a significantly altered protein sequence. The variant was absent in 180940 control chromosomes. One in-silico tool predict a benign effect on splicing for this variant (Trap Score 0.4). However, these predictions have not been experimentally validated. The available data on variant occurrences in the general population are insufficient to allow any conclusion about variant significance. To our knowledge, no occurrence of c.912+6G>C in individuals affected with Creatine Deficiency, X-Linked and no experimental evidence demonstrating its impact on protein function have been reported. No clinical diagnostic laboratories have submitted clinical-significance assessments for this variant to ClinVar after 2014. Based on the evidence outlined above, the variant was classified as uncertain significance.

Literature cited by the submitters: PubMed 17576681 (cited by Labcorp Genetics (formerly Invitae), Labcorp); PubMed 9536098 (cited by Labcorp Genetics (formerly Invitae), Labcorp).

NM_005629.4(SLC6A8):c.912+6G>C

Gene: SLC6A8 (solute carrier family 6 member 8; plus strand). Cytogenetic location: Xq28.
Variant type: single nucleotide variant.
Coding change: c.912+6G>C on transcript NM_005629.4 (MANE Select); 6 bases into the intron after coding-DNA position 912, G replaced by C.
Molecular consequence: intron variant.
Genome position (GRCh38, 1-based): chrX:153,693,181, G>C. VCF-style: chrX-153693181-G-C. GRCh37 (hg19) VCF-style: chrX-152958636-G-C.
Other names: c.912+6G>C (NM_001142805.2); c.567+6G>C (NM_001142806.1).
Identifiers: ClinVar variation 2501171 (VCV002501171.2), dbSNP rs2091466684, ClinGen allele CA2466437760.